The following is an entry in ClinVar:

ClinVar aggregate classification (germline): Uncertain significance (1 of 4 stars; one submission).

Submission:

Labcorp Genetics (formerly Invitae), Labcorp
Classification: Uncertain significance. Last evaluated: 2025-06-09. Review status: criteria provided, single submitter. Criteria: Invitae Variant Classification Sherloc (09022015). Collection method: clinical testing. Allele origin: germline.
Comment: This sequence change falls in intron 5 of the TTC37 gene. It does not directly change the encoded amino acid sequence of the TTC37 protein. This variant is present in population databases (rs762329179, gnomAD 0.02%). This variant has not been reported in the literature in individuals affected with TTC37-related conditions. Algorithms developed to predict the effect of sequence changes on RNA splicing suggest that this variant may disrupt the consensus splice site. In summary, the available evidence is currently insufficient to determine the role of this variant in disease. Therefore, it has been classified as a Variant of Uncertain Significance.

NM_014639.4(SKIC3):c.235-13CTT[2]

Gene: SKIC3 (SKI3 subunit of superkiller complex; minus strand). Cytogenetic location: 5q15.
Variant type: Microsatellite.
Coding change: c.235-13CTT[2] on transcript NM_014639.4 (MANE Select); two copies in a row of the 3-base unit CTT starting at c.235-13; the reference has three copies in a row; one copy, 3 bases deleted.
Molecular consequence: intron variant.
Genome position (GRCh38, 1-based): chr5:95,541,911-95,541,913, AAG deleted on the plus strand (CTT on the coding strand, the reverse complement: SKIC3 is on the minus strand); deleting any 3 consecutive bases within chr5:95,541,911-95,541,919 gives the same sequence; the position shown is the placement nearest the transcript's 3' end. VCF-style (leftmost placement, unchanged base first): chr5-95541910-AAAG-A. GRCh37 (hg19) VCF-style: chr5-94877614-AAAG-A.
Identifiers: ClinVar variation 1957487 (VCV001957487.3), dbSNP rs762329179, ClinGen allele CA3347668.